The following is an entry in ClinVar:

ClinVar aggregate classification (germline): Likely benign (0 of 4 stars; one submission).

Conditions:
HCN2-related disorder. Also called: HCN2-related condition.

gnomAD v4.1: 8 of 1,588,054 alleles (0.0005%); highest among the groups gnomAD compares: Middle Eastern, 0.02%; 1 homozygote.

Submission:

PreventionGenetics, part of Exact Sciences
Classification: Likely benign for HCN2-related condition. Last evaluated: 2019-09-17. Review status: no assertion criteria provided. Collection method: clinical testing. Allele origin: germline.
Comment: This variant is classified as likely benign based on ACMG/AMP sequence variant interpretation guidelines (Richards et al. 2015 PMID: 25741868, with internal and published modifications).

NM_001194.4(HCN2):c.1842C>G (p.Thr614=)

Gene: HCN2 (hyperpolarization activated cyclic nucleotide gated potassium and sodium channel 2; plus strand). Cytogenetic location: 19p13.3.
Variant type: single nucleotide variant.
Coding change: c.1842C>G on transcript NM_001194.4 (MANE Select); coding-DNA position 1842, C replaced by G.
Protein change: p.Thr614=; no amino-acid change (threonine 614 retained).
Molecular consequence: synonymous variant.
Genome position (GRCh38, 1-based): chr19:613,868, C>G. VCF-style: chr19-613868-C-G. GRCh37 (hg19) VCF-style: chr19-613868-C-G.
Identifiers: ClinVar variation 3357509 (VCV003357509.1).
Genomic context (GRCh38, chr19:613,868, plus strand): 5'-GCGCCCGCCTCGTCCAGCAACCCCCCCCTGCGCGCCACGTGCAGAGATCTGCCTGCTCAC[C>G]CGGGGCCGCCGCACGGCGAGCGTGCGGGCTGACACCTACTGCCGCCTCTATTCGCTGAGC-3'
Protein context (NP_001185.3, residues 604-624): GSYFGEICLL[Thr614=]RGRRTASVRA